The following is an entry in ClinVar:

ClinVar aggregate classification (germline): Pathogenic (1 of 4 stars; one submission).

Submission:

Labcorp Genetics (formerly Invitae), Labcorp
Classification: Pathogenic. Last evaluated: 2025-03-21. Review status: criteria provided, single submitter. Criteria: Invitae Variant Classification Sherloc (09022015). Collection method: clinical testing. Allele origin: germline.
Comment: This sequence change creates a premature translational stop signal (p.Val267Glyfs*15) in the OTOF gene. It is expected to result in an absent or disrupted protein product. Loss-of-function variants in OTOF are known to be pathogenic (PMID: 18381613, 19250381, 22575033). This variant is not present in population databases (gnomAD no frequency). This variant has not been reported in the literature in individuals affected with OTOF-related conditions. ClinVar contains an entry for this variant (Variation ID: 2957334). For these reasons, this variant has been classified as Pathogenic.

Literature cited by the submitters: PubMed 18381613; PubMed 19250381; PubMed 22575033.

NM_194248.3(OTOF):c.799dup (p.Val267fs)

Gene: OTOF (otoferlin; minus strand). Cytogenetic location: 2p23.3.
Variant type: Duplication.
Coding change: c.799dup on transcript NM_194248.3 (MANE Select); coding-DNA position 799, one base duplicated (G; older notation c.799dupG).
Protein change: p.Val267fs; shifts the reading frame from valine 267.
Molecular consequence: frameshift variant.
Genome position (GRCh38, 1-based): chr2:26,495,040, C duplicated on the plus strand (G on the coding strand, the reverse complement: OTOF is on the minus strand); the first of 2 consecutive C bases (chr2:26,495,040-26,495,041); duplicating either gives the same sequence. VCF-style (leftmost placement, unchanged base first): chr2-26495039-A-AC. GRCh37 (hg19) VCF-style: chr2-26717907-A-AC.
Other names: c.799dup, p.Val267fs (NM_001287489.2); short protein forms V267fs.
Identifiers: ClinVar variation 2957334 (VCV002957334.3), dbSNP rs1665946379, ClinGen allele CA425208775.